The following is an entry in ClinVar:

NM_013432.5(TONSL):c.3421C>G (p.Leu1141Val)

Gene: TONSL (tonsoku like, DNA repair protein; minus strand). Cytogenetic location: 8q24.3.
Variant type: single nucleotide variant.
Coding change: c.3421C>G on transcript NM_013432.5 (MANE Select); coding-DNA position 3421, C replaced by G.
Protein change: p.Leu1141Val; replaces leucine 1141 with valine.
Molecular consequence: missense variant.
Genome position (GRCh38, 1-based): chr8:144,433,726, G>C on the plus strand (C>G on the coding strand, the complement: TONSL is on the minus strand). VCF-style: chr8-144433726-G-C. GRCh37 (hg19) VCF-style: chr8-145659109-G-C.
Other names: short protein forms L1141V.
Identifiers: ClinVar variation 1954840 (VCV001954840.3), dbSNP rs1317163430, ClinGen allele CA372644805.
Genomic context (GRCh38, chr8:144,433,726, plus strand): 5'-TGCTGAGTAAGGGGCAGGCGTGCAGGAGGGAGGCCAGGGACTGGCCACAGCCGTCCCCCA[G>C]GGGGTTCATGCTTAAGTCCAGCTCCTCCAAACTCTGTGGAAGACACAGGCTGGCAGTGAG-3'
Protein context (NP_038460.4, residues 1131-1151): LEELDLSMNP[Leu1141Val]GDGCGQSLAS

ClinVar aggregate classification (germline): Uncertain significance (1 of 4 stars; one submission).

Allele frequency attached by ClinVar (database versions not stated): gnomAD 0.00002; gnomAD exomes 0.00002; TOPMed 0.00002.
gnomAD v4.1: 27 of 1,601,362 alleles (0.0017%); highest among the groups gnomAD compares: East Asian, 0.0022%; no homozygotes.

Submission:

Labcorp Genetics (formerly Invitae), Labcorp
Classification: Uncertain significance. Last evaluated: 2022-10-08. Review status: criteria provided, single submitter. Criteria: Invitae Variant Classification Sherloc (09022015). Collection method: clinical testing. Allele origin: germline.
Comment: In summary, the available evidence is currently insufficient to determine the role of this variant in disease. Therefore, it has been classified as a Variant of Uncertain Significance. Advanced modeling of protein sequence and biophysical properties (such as structural, functional, and spatial information, amino acid conservation, physicochemical variation, residue mobility, and thermodynamic stability) performed at Invitae indicates that this missense variant is expected to disrupt TONSL protein function. This variant has not been reported in the literature in individuals affected with TONSL-related conditions. This variant is present in population databases (no rsID available, gnomAD 0.0009%). This sequence change replaces leucine, which is neutral and non-polar, with valine, which is neutral and non-polar, at codon 1141 of the TONSL protein (p.Leu1141Val).